The following is an entry in ClinVar:

NM_006521.6(TFE3):c.1718A>G (p.Glu573Gly)

Gene: TFE3 (transcription factor binding to IGHM enhancer 3; minus strand). Cytogenetic location: Xp11.23.
Variant type: single nucleotide variant.
Coding change: c.1718A>G on transcript NM_006521.6 (MANE Select); coding-DNA position 1718, A replaced by G.
Protein change: p.Glu573Gly; replaces glutamic acid 573 with glycine.
Molecular consequence: missense variant.
Genome position (GRCh38, 1-based): chrX:49,030,168, T>C on the plus strand (A>G on the coding strand, the complement: TFE3 is on the minus strand). VCF-style: chrX-49030168-T-C. GRCh37 (hg19) VCF-style: chrX-48887679-T-C.
Other names: c.1403A>G, p.Glu468Gly (NM_001282142.2); short protein forms E468G, E573G.
Identifiers: ClinVar variation 3363378 (VCV003363378.1).
Genomic context (GRCh38, chrX:49,030,168, plus strand): 5'-TGGTCCTCCTTTCCTGGGTGGGAAAGTCCCAGGGGAGGGGTGAGGCCTGATCAGGACTCC[T>C]CTTCCATGCTGAAGCTGCTGCGGCGGCTGCTGGCCTTGGAGACAGCAGGGGACACTGAAG-3'
Protein context (NP_006512.2, residues 563-575): SSRRSSFSME[Glu573Gly]ES

ClinVar aggregate classification (germline): Uncertain significance (1 of 4 stars; one submission).

Submission:

GeneDx
Classification: Uncertain significance. Last evaluated: 2023-10-19. Review status: criteria provided, single submitter. Criteria: GeneDx Variant Classification Process June 2021. Collection method: clinical testing. Allele origin: germline. Affected: yes.
Comment: Not observed at significant frequency in large population cohorts (gnomAD); In silico analysis supports that this missense variant has a deleterious effect on protein structure/function; Has not been previously published as pathogenic or benign to our knowledge